The following is an entry in ClinVar:

ClinVar aggregate classification (germline): Benign. Review status: criteria provided, multiple submitters, no conflicts (2 of 4 stars). 3 submissions from 3 submitters: Benign (2). 1 of the submissions does not count toward it. Last evaluated 2021-06-09.

Conditions:
DSC3-related disorder. Also called: DSC3-related condition.

Allele frequency attached by ClinVar (database versions not stated): ExAC 0.41087; ESP Exome Variant Server 0.46948; 1000 Genomes Project 30x 0.59619; TOPMed 0.48472; gnomAD exomes 0.40272; 1000 Genomes Project 0.59425.
gnomAD v4.1: 589,351 of 1,613,310 alleles (37%); highest among the groups gnomAD compares: African/African-American, 77%; 119,486 homozygotes.

Submissions (3):

GeneDx
Classification: Benign. Last evaluated: 2021-06-09. Review status: criteria provided, single submitter. Criteria: GeneDx Variant Classification Process June 2021. Collection method: clinical testing. Allele origin: germline. Affected: yes.

Breakthrough Genomics
Classification: Benign. Review status: criteria provided, single submitter. Criteria: ACMG Guidelines, 2015. Collection method: not provided. Allele origin: germline. Inheritance: Autosomal recessive inheritance. Affected: yes.

PreventionGenetics, part of Exact Sciences
Classification: Benign for DSC3-related condition. Last evaluated: 2019-10-16. Review status: no assertion criteria provided. Collection method: clinical testing. Allele origin: germline. Not counted in ClinVar's aggregate classification.
Comment: This variant is classified as benign based on ACMG/AMP sequence variant interpretation guidelines (Richards et al. 2015 PMID: 25741868, with internal and published modifications).

NM_001941.5(DSC3):c.1797T>C (p.Pro599=)

Gene: DSC3 (desmocollin 3; minus strand). Cytogenetic location: 18q12.1.
Variant type: single nucleotide variant.
Coding change: c.1797T>C on transcript NM_001941.5 (MANE Select); coding-DNA position 1797, T replaced by C.
Protein change: p.Pro599=; no amino-acid change (proline 599 retained).
Molecular consequence: synonymous variant.
Genome position (GRCh38, 1-based): chr18:31,006,998, A>G on the plus strand (T>C on the coding strand, the complement: DSC3 is on the minus strand). VCF-style: chr18-31006998-A-G. GRCh37 (hg19) VCF-style: chr18-28586964-A-G.
Other names: c.1797T>C, p.Pro599= (NM_024423.4).
Identifiers: ClinVar variation 1288388 (VCV001288388.4), dbSNP rs1313586, ClinGen allele CA8924203.